The following is an entry in ClinVar:

ClinVar aggregate classification (germline): Uncertain significance. Review status: criteria provided, multiple submitters, no conflicts (2 of 4 stars). 2 submissions from 2 submitters: Uncertain significance (2). Last evaluated 2024-01-31.

Conditions:
Spastic paraplegia. Identifiers: MedGen C0037772, HP:0001258.
Inborn genetic diseases. Identifiers: MedGen C0950123, MeSH D030342.

Allele frequency attached by ClinVar (database versions not stated): gnomAD exomes below 0.00001.

Submissions (2):

Ambry Genetics
Classification: Uncertain significance for Inborn genetic diseases. Last evaluated: 2024-01-31. Review status: criteria provided, single submitter. Criteria: Ambry Variant Classification Scheme 2023. Collection method: clinical testing. Allele origin: germline.

Labcorp Genetics (formerly Invitae), Labcorp
Classification: Uncertain significance for Spastic paraplegia. Last evaluated: 2022-07-19. Review status: criteria provided, single submitter. Criteria: Invitae Variant Classification Sherloc (09022015). Collection method: clinical testing. Allele origin: germline.
Comment: This sequence change replaces glutamic acid, which is acidic and polar, with glycine, which is neutral and non-polar, at codon 2507 of the SACS protein (p.Glu2507Gly). This variant is not present in population databases (gnomAD no frequency). This variant has not been reported in the literature in individuals affected with SACS-related conditions. Algorithms developed to predict the effect of missense changes on protein structure and function are either unavailable or do not agree on the potential impact of this missense change (SIFT: "Deleterious"; PolyPhen-2: "Probably Damaging"; Align-GVGD: "Class C0"). In summary, the available evidence is currently insufficient to determine the role of this variant in disease. Therefore, it has been classified as a Variant of Uncertain Significance.

NM_014363.6(SACS):c.7520A>G (p.Glu2507Gly)

Gene: SACS (sacsin molecular chaperone; minus strand). Cytogenetic location: 13q12.12.
Variant type: single nucleotide variant.
Coding change: c.7520A>G on transcript NM_014363.6 (MANE Select); coding-DNA position 7520, A replaced by G.
Protein change: p.Glu2507Gly; replaces glutamic acid 2507 with glycine.
Molecular consequence: missense variant.
Genome position (GRCh38, 1-based): chr13:23,336,356, T>C on the plus strand (A>G on the coding strand, the complement: SACS is on the minus strand). VCF-style: chr13-23336356-T-C. GRCh37 (hg19) VCF-style: chr13-23910495-T-C.
Other names: c.7079A>G, p.Glu2360Gly (NM_001278055.2); c.7520A>G (NM_014363.4); short protein forms E2360G, E2507G.
Identifiers: ClinVar variation 2189751 (VCV002189751.2), dbSNP rs2542232628, ClinGen allele CA387518857.
Genomic context (GRCh38, chr13:23,336,356, plus strand): 5'-TTTTCTTTCTGCCCAAATTCTGTGCCAAGTGTTGTAAAACAGACATTGGATGCATATCTT[T>C]CTAAGGCTTTGTGTCGCTTTGGGACTGCTCCTAGTTTTACTGCTACTTCCCTGGGTATGT-3'
Protein context (NP_055178.3, residues 2497-2517): GAVPKRHKAL[Glu2507Gly]RYASNVCFTT